The following is an entry in ClinVar:

NM_001613.4(ACTA2):c.280A>G (p.Asn94Asp)

Gene: ACTA2 (actin alpha 2, smooth muscle; minus strand). Cytogenetic location: 10q23.31.
Variant type: single nucleotide variant.
Coding change: c.280A>G on transcript NM_001613.4 (MANE Select); coding-DNA position 280, A replaced by G.
Protein change: p.Asn94Asp; replaces asparagine 94 with aspartic acid.
Molecular consequence: missense variant.
Genome position (GRCh38, 1-based): chr10:88,943,886, T>C on the plus strand (A>G on the coding strand, the complement: ACTA2 is on the minus strand). VCF-style: chr10-88943886-T-C. GRCh37 (hg19) VCF-style: chr10-90703643-T-C.
Other names: c.280A>G, p.Asn94Asp (NM_001141945.3, NM_001320855.2, NM_001406462.1 and 3 more transcripts); c.151A>G, p.Asn51Asp (NM_001406467.1, NM_001406468.1, NM_001406469.1); short protein forms N51D, N94D.
Identifiers: ClinVar variation 2071665 (VCV002071665.4), dbSNP rs778382397, ClinGen allele CA027301.

ClinVar aggregate classification (germline): Uncertain significance (1 of 4 stars; one submission).

Conditions:
Aortic aneurysm, familial thoracic 6 (AAT6). Also called: FAMILIAL THORACIC AORTIC ANEURYSM WITH LIVEDO RETICULARIS AND IRIS FLOCCULI. Identifiers: MedGen C2673186, MONDO:0012730, OMIM 611788.

Allele frequency attached by ClinVar (database versions not stated): gnomAD exomes 0.00001; ExAC 0.00003.
gnomAD v4.1: 5 of 1,613,908 alleles (0.00031%); highest among the groups gnomAD compares: Admixed American, 0.0067%; no homozygotes.

Submission:

Labcorp Genetics (formerly Invitae), Labcorp
Classification: Uncertain significance for Aortic aneurysm, familial thoracic 6. Last evaluated: 2024-02-15. Review status: criteria provided, single submitter. Criteria: Invitae Variant Classification Sherloc (09022015). Collection method: clinical testing. Allele origin: germline.
Comment: This sequence change replaces asparagine, which is neutral and polar, with aspartic acid, which is acidic and polar, at codon 94 of the ACTA2 protein (p.Asn94Asp). This variant is present in population databases (rs778382397, gnomAD 0.01%). This variant has not been reported in the literature in individuals affected with ACTA2-related conditions. ClinVar contains an entry for this variant (Variation ID: 2071665). Advanced modeling of protein sequence and biophysical properties (such as structural, functional, and spatial information, amino acid conservation, physicochemical variation, residue mobility, and thermodynamic stability) performed at Invitae indicates that this missense variant is not expected to disrupt ACTA2 protein function with a negative predictive value of 80%. In summary, the available evidence is currently insufficient to determine the role of this variant in disease. Therefore, it has been classified as a Variant of Uncertain Significance.